The following is an entry in ClinVar:

NM_000443.4(ABCB4):c.134T>C (p.Leu45Ser)

Gene: ABCB4 (ATP binding cassette subfamily B member 4; minus strand). Cytogenetic location: 7q21.12.
Variant type: single nucleotide variant.
Coding change: c.134T>C on transcript NM_000443.4 (MANE Select); coding-DNA position 134, T replaced by C.
Protein change: p.Leu45Ser; replaces leucine 45 with serine.
Molecular consequence: missense variant.
Genome position (GRCh38, 1-based): chr7:87,472,622, A>G on the plus strand (T>C on the coding strand, the complement: ABCB4 is on the minus strand). VCF-style: chr7-87472622-A-G. GRCh37 (hg19) VCF-style: chr7-87101938-A-G.
Other names: c.134T>C, p.Leu45Ser (NM_018849.3, NM_018850.3); short protein forms L45S.
Identifiers: ClinVar variation 2877109 (VCV002877109.2), dbSNP rs2546905731, ClinGen allele CA368058617.
Genomic context (GRCh38, chr7:87,472,622, plus strand): 5'-CAATACCTCAAATTTGAATAAAAGGTAGGATTATTCACATTTAACATTTCACAGCTTACC[A>G]ATGTTAATACTCCAATCATTTTCACTGTCTTCGTTTTTTTCCTTTTTTGTTTGCTGTAAA-3'
Protein context (NP_000434.1, residues 35-55): KTVKMIGVLT[Leu45Ser]FRYSDWQDKL

ClinVar aggregate classification (germline): Uncertain significance (1 of 4 stars; one submission).

Submission:

Labcorp Genetics (formerly Invitae), Labcorp
Classification: Uncertain significance. Last evaluated: 2023-06-16. Review status: criteria provided, single submitter. Criteria: Invitae Variant Classification Sherloc (09022015). Collection method: clinical testing. Allele origin: germline.
Comment: This sequence change replaces leucine, which is neutral and non-polar, with serine, which is neutral and polar, at codon 45 of the ABCB4 protein (p.Leu45Ser). This variant is not present in population databases (gnomAD no frequency). This variant has not been reported in the literature in individuals affected with ABCB4-related conditions. An algorithm developed to predict the effect of missense changes on protein structure and function (PolyPhen-2) suggests that this variant is likely to be disruptive. In summary, the available evidence is currently insufficient to determine the role of this variant in disease. Therefore, it has been classified as a Variant of Uncertain Significance.